The following is an entry in ClinVar:

NM_001166108.2(PALLD):c.*57G>A

Genes: CBR4 (carbonyl reductase 4; minus strand), PALLD (palladin, cytoskeletal associated protein; plus strand). Cytogenetic location: 4q32.3.
Variant type: single nucleotide variant.
Coding change: c.*57G>A on transcript NM_001166108.2 (MANE Select); 57 bases downstream of the stop codon, G replaced by A.
Molecular consequence: 3 prime UTR variant. On other transcripts: missense variant (4).
Genome position (GRCh38, 1-based): chr4:168,926,237, G>A. VCF-style: chr4-168926237-G-A. GRCh37 (hg19) VCF-style: chr4-169847388-G-A.
Other names: c.2186G>A, p.Ser729Asn (NM_001166109.2); c.1871G>A, p.Ser624Asn (NM_001166110.2); c.*57G>A (NM_001367567.1, NM_001367570.1, NM_016081.4); c.1262G>A, p.Ser421Asn (NM_001367568.1); c.1211G>A, p.Ser404Asn (NM_001367569.1); short protein forms S624N, S421N, S729N, S404N.
Identifiers: ClinVar variation 5026257 (VCV005026257.1).
Genomic context (GRCh38, chr4:168,926,237, plus strand): 5'-TGATTAAAAATCTTAATTTACTCTTTTTCTTTGTAGCCCAGTGGCATCAGCAGTCACAGA[G>A]CACCAAGCCAAAAAAAGTACGGCCCTCAGCCAGTCGCTATGCAGCACTTTCGGACCAGGG-3'

ClinVar aggregate classification (germline): Uncertain significance (1 of 4 stars; one submission).

Submission:

Ambry Genetics
Classification: Uncertain significance. Last evaluated: 2026-09-06. Review status: criteria provided, single submitter. Criteria: Ambry Variant Classification Scheme 2023. Collection method: clinical testing. Allele origin: germline.
Comment: The p.S624N variant (also known as c.1871G>A), located in coding exon 11 of the PALLD gene, results from a G to A substitution at nucleotide position 1871. The serine at codon 624 is replaced by asparagine, an amino acid with highly similar properties. This amino acid position is conserved. In addition, this alteration is predicted to be tolerated by in silico analysis. Based on the available evidence, the clinical significance of this variant remains unclear.